The following is an entry in ClinVar:

ClinVar aggregate classification (germline): Uncertain significance. Review status: criteria provided, multiple submitters, no conflicts (2 of 4 stars). 2 submissions from 2 submitters: Uncertain significance (2). Last evaluated 2023-12-05.

Conditions:
Hereditary cancer-predisposing syndrome. Also called: Tumor predisposition; Neoplastic Syndromes, Hereditary; Hereditary Cancer Syndrome; Hereditary neoplastic syndrome. Identifiers: Orphanet 140162, MedGen C0027672, MeSH D009386, MONDO:0015356.
Ataxia-telangiectasia syndrome (AT). Also called: Ataxia-telangiectasia; Ataxia-telangiectasia, complementation group D; AT, COMPLEMENTATION GROUP C; LOUIS-BAR SYNDROME; Cerebello-oculocutaneous telangiectasia; Immunodeficiency with ataxia telangiectasia. Identifiers: Orphanet 100, MedGen C0004135, MONDO:0008840, OMIM 208900.

Submissions (2):

Color Diagnostics, LLC DBA Color Health
Classification: Uncertain significance for Hereditary cancer-predisposing syndrome. Last evaluated: 2023-12-05. Review status: criteria provided, single submitter. Criteria: ACMG Guidelines, 2015. Collection method: clinical testing. Allele origin: germline.
Comment: This missense variant replaces lysine with threonine at codon 1066 of the ATM protein. Computational prediction suggests that this variant may not impact protein structure and function (internally defined REVEL score threshold <= 0.5, PMID: 27666373). To our knowledge, functional studies have not been reported for this variant. This variant has not been reported in individuals affected with ATM-related disorders in the literature. This variant has not been identified in the general population by the Genome Aggregation Database (gnomAD). The available evidence is insufficient to determine the role of this variant in disease conclusively. Therefore, this variant is classified as a Variant of Uncertain Significance.

Labcorp Genetics (formerly Invitae), Labcorp
Classification: Uncertain significance for Ataxia-telangiectasia syndrome. Last evaluated: 2022-12-06. Review status: criteria provided, single submitter. Criteria: Invitae Variant Classification Sherloc (09022015). Collection method: clinical testing. Allele origin: germline.
Comment: In summary, the available evidence is currently insufficient to determine the role of this variant in disease. Therefore, it has been classified as a Variant of Uncertain Significance. This variant is not present in population databases (gnomAD no frequency). This variant has not been reported in the literature in individuals affected with ATM-related conditions. ClinVar contains an entry for this variant (Variation ID: 490520). Algorithms developed to predict the effect of missense changes on protein structure and function (SIFT, PolyPhen-2, Align-GVGD) all suggest that this variant is likely to be tolerated. This sequence change replaces lysine, which is basic and polar, with threonine, which is neutral and polar, at codon 1066 of the ATM protein (p.Lys1066Thr).

NM_000051.4(ATM):c.3197A>C (p.Lys1066Thr)

Gene: ATM (ATM serine/threonine kinase; plus strand). Cytogenetic location: 11q22.3.
Variant type: single nucleotide variant.
Coding change: c.3197A>C on transcript NM_000051.4 (MANE Select); coding-DNA position 3197, A replaced by C.
Protein change: p.Lys1066Thr; replaces lysine 1066 with threonine.
Molecular consequence: missense variant.
Genome position (GRCh38, 1-based): chr11:108,272,765, A>C. VCF-style: chr11-108272765-A-C. GRCh37 (hg19) VCF-style: chr11-108143492-A-C.
Other names: c.3197A>C, p.Lys1066Thr (NM_001351834.2); short protein forms K1066T.
Identifiers: ClinVar variation 490520 (VCV000490520.14), dbSNP rs926564671, ClinGen allele CA382515730.